The following is an entry in ClinVar:

ClinVar aggregate classification (germline): Uncertain significance (1 of 4 stars; one submission).

Conditions:
Idiopathic generalized epilepsy. Also called: Generalised epilepsy; EIG. Identifiers: MedGen C0270850, MONDO:0005579, OMIM 600669.

Allele frequency attached by ClinVar (database versions not stated): gnomAD exomes below 0.00001; gnomAD 0.00001.
gnomAD v4.1: 6 of 1,546,792 alleles (0.00039%); highest among the groups gnomAD compares: Admixed American, 0.0018%; no homozygotes.

Submission:

Labcorp Genetics (formerly Invitae), Labcorp
Classification: Uncertain significance for Idiopathic generalized epilepsy. Last evaluated: 2022-05-25. Review status: criteria provided, single submitter. Criteria: Invitae Variant Classification Sherloc (09022015). Collection method: clinical testing. Allele origin: germline.
Comment: In summary, the available evidence is currently insufficient to determine the role of this variant in disease. Therefore, it has been classified as a Variant of Uncertain Significance. Algorithms developed to predict the effect of missense changes on protein structure and function are either unavailable or do not agree on the potential impact of this missense change (SIFT: "Deleterious"; PolyPhen-2: "Possibly Damaging"; Align-GVGD: "Class C0"). This variant has not been reported in the literature in individuals affected with RBFOX1-related conditions. This variant is not present in population databases (gnomAD no frequency). This sequence change replaces valine, which is neutral and non-polar, with isoleucine, which is neutral and non-polar, at codon 181 of the RBFOX1 protein (p.Val181Ile).

NM_018723.4(RBFOX1):c.481G>A (p.Val161Ile)

Gene: RBFOX1 (RNA binding fox-1 homolog 1; plus strand). Cytogenetic location: 16p13.3.
Variant type: single nucleotide variant.
Coding change: c.481G>A on transcript NM_018723.4 (MANE Select); coding-DNA position 481, G replaced by A.
Protein change: p.Val161Ile; replaces valine 161 with isoleucine.
Molecular consequence: missense variant.
Genome position (GRCh38, 1-based): chr16:7,595,561, G>A. VCF-style: chr16-7595561-G-A. GRCh37 (hg19) VCF-style: chr16-7645563-G-A.
Other names: c.481G>A, p.Val161Ile (NM_001142333.2, NM_001142334.2, NM_001364800.2); c.610G>A, p.Val204Ile (NM_001308117.1, NM_001411047.1); c.541G>A, p.Val181Ile (NM_145891.3, NM_145892.3, NM_145893.3); short protein forms V161I, V181I, V204I.
Identifiers: ClinVar variation 2141086 (VCV002141086.4), dbSNP rs2094642425, ClinGen allele CA394682817.